The following is an entry in ClinVar:

NM_020839.4(WDR48):c.280T>G (p.Ser94Ala)

Gene: WDR48 (WD repeat domain 48; plus strand). Cytogenetic location: 3p22.2.
Variant type: single nucleotide variant.
Coding change: c.280T>G on transcript NM_020839.4 (MANE Select); coding-DNA position 280, T replaced by G.
Protein change: p.Ser94Ala; replaces serine 94 with alanine.
Molecular consequence: missense variant. On other transcripts: 5 prime UTR variant (1), non-coding transcript variant (3), intron variant (1).
Genome position (GRCh38, 1-based): chr3:39,066,559, T>G. VCF-style: chr3-39066559-T-G. GRCh37 (hg19) VCF-style: chr3-39108050-T-G.
Other names: c.34T>G, p.Ser12Ala (NM_001303402.2); c.280T>G, p.Ser94Ala (NM_001346225.2); c.109T>G, p.Ser37Ala (NM_001346226.2); c.-116T>G (NM_001346227.2); c.70T>G, p.Ser24Ala (NM_001346228.2); c.269-16T>G (NM_001303403.2); c.280T>G (NM_020839.3); short protein forms S94A, S24A, S12A, S37A.
Identifiers: ClinVar variation 424665 (VCV000424665.45), dbSNP rs148407227, ClinGen allele CA2322939.

ClinVar aggregate classification (germline): Uncertain significance. Review status: criteria provided, multiple submitters, no conflicts (2 of 4 stars). 4 submissions from 4 submitters: Uncertain significance (3). 1 of the submissions does not count toward it. Last evaluated 2018-07-01.

Conditions:
WDR48-related disorder. Also called: WDR48-related condition.
Hereditary spastic paraplegia. Also called: Familial spastic paraparesis. Identifiers: Orphanet 685, MedGen C0037773, MONDO:0019064. Disease mechanism: loss of function.

Allele frequency attached by ClinVar (database versions not stated): 1000 Genomes Project 0.00080; 1000 Genomes Project 30x 0.00094; gnomAD 0.00270 and 0.00279; TOPMed 0.00280; ExAC 0.00294; gnomAD exomes 0.00305 and 0.00425; ESP Exome Variant Server 0.00369.
gnomAD v4.1: 6,555 of 1,613,670 alleles (0.41%); highest among the groups gnomAD compares: Non-Finnish European, 0.5%; 15 homozygotes.

Submissions (4):

CeGaT Center for Human Genetics Tuebingen
Classification: Uncertain significance. Last evaluated: 2018-07-01. Review status: criteria provided, single submitter. Criteria: CeGaT Center For Human Genetics Tuebingen Variant Classification Criteria Version 2. Collection method: clinical testing. Allele origin: germline. Affected: yes. Observed: 1 variant allele.

Unit for Genetic & Epidemiological Research on Neurological Disorders, Instituto de Investigação e Inovação em Saúde
Classification: Uncertain significance for Hereditary spastic paraplegia. Last evaluated: 2017-03-07. Review status: criteria provided, single submitter. Criteria: Morais et al. (Eur J Hum Genet. 2017). Collection method: research. Allele origin: unknown. Affected: yes.

Breakthrough Genomics
Classification: Uncertain significance. Review status: criteria provided, single submitter. Criteria: ACMG Guidelines, 2015. Collection method: not provided. Allele origin: germline. Inheritance: Unknown mechanism. Affected: yes.

PreventionGenetics, part of Exact Sciences
Classification: Likely benign for WDR48-related condition. Last evaluated: 2022-03-09. Review status: no assertion criteria provided. Collection method: clinical testing. Allele origin: germline. Not counted in ClinVar's aggregate classification.
Comment: This variant is classified as likely benign based on ACMG/AMP sequence variant interpretation guidelines (Richards et al. 2015 PMID: 25741868, with internal and published modifications).